The following is an entry in ClinVar:

NM_006080.3(SEMA3A):c.1820A>T (p.Tyr607Phe)

Gene: SEMA3A (semaphorin 3A; minus strand). Cytogenetic location: 7q21.11.
Variant type: single nucleotide variant.
Coding change: c.1820A>T on transcript NM_006080.3 (MANE Select); coding-DNA position 1820, A replaced by T.
Protein change: p.Tyr607Phe; replaces tyrosine 607 with phenylalanine.
Molecular consequence: missense variant.
Genome position (GRCh38, 1-based): chr7:83,963,245, T>A on the plus strand (A>T on the coding strand, the complement: SEMA3A is on the minus strand). VCF-style: chr7-83963245-T-A. GRCh37 (hg19) VCF-style: chr7-83592561-T-A.
Other names: short protein forms Y607F.
Identifiers: ClinVar variation 3159697 (VCV003159697.2), dbSNP rs1022905802, ClinGen allele CA161169676.
Genomic context (GRCh38, chr7:83,963,245, plus strand): 5'-AGTCAGTTTCATTCCTGTACCTCTTCTTTTCGCTCTTCATTTCGCCTCTGGAATTGCCAA[T>A]AGACCAGCGCTCTCTGCGACTTCGGACTGCATTCCAAAAATGTGCTACTATTCTCTACAC-3'
Protein context (NP_006071.1, residues 597-617): CSPKSQRALV[Tyr607Phe]WQFQRRNEER

ClinVar aggregate classification (germline): Uncertain significance. Review status: criteria provided, single submitter (1 of 4 stars). 2 submissions from 2 submitters: Uncertain significance (1). 1 of the submissions does not count toward it. Last evaluated 2024-01-02.

Conditions:
Inborn genetic diseases. Identifiers: MedGen C0950123, MeSH D030342.
SEMA3A-related disorder. Also called: SEMA3A-related condition.

Allele frequency attached by ClinVar (database versions not stated): gnomAD exomes 0.00001; gnomAD 0.00002.
gnomAD v4.1: 10 of 1,613,546 alleles (0.00062%); highest among the groups gnomAD compares: Admixed American, 0.0083%; no homozygotes.

Submissions (2):

Ambry Genetics
Classification: Uncertain significance for Inborn genetic diseases. Last evaluated: 2024-01-02. Review status: criteria provided, single submitter. Criteria: Ambry Variant Classification Scheme 2023. Collection method: clinical testing. Allele origin: germline.

PreventionGenetics, part of Exact Sciences
Classification: Uncertain significance for SEMA3A-related condition. Last evaluated: 2024-03-22. Review status: no assertion criteria provided. Collection method: clinical testing. Allele origin: germline. Not counted in ClinVar's aggregate classification.
Comment: The SEMA3A c.1820A>T variant is predicted to result in the amino acid substitution p.Tyr607Phe. To our knowledge, this variant has not been reported in the literature. This variant is reported in 0.0029% of alleles in individuals of Latino descent in gnomAD. At this time, the clinical significance of this variant is uncertain due to the absence of conclusive functional and genetic evidence.